The following is an entry in ClinVar:

NM_000158.4(GBE1):c.640G>T (p.Ala214Ser)

Gene: GBE1 (1,4-alpha-glucan branching enzyme 1; minus strand). Cytogenetic location: 3p12.2.
Variant type: single nucleotide variant.
Coding change: c.640G>T on transcript NM_000158.4 (MANE Select); coding-DNA position 640, G replaced by T.
Protein change: p.Ala214Ser; replaces alanine 214 with serine.
Molecular consequence: missense variant.
Genome position (GRCh38, 1-based): chr3:81,648,907, C>A on the plus strand (G>T on the coding strand, the complement: GBE1 is on the minus strand). VCF-style: chr3-81648907-C-A. GRCh37 (hg19) VCF-style: chr3-81698058-C-A.
Other names: c.640G>T (NM_000158.3); short protein forms A214S.
Identifiers: ClinVar variation 1941335 (VCV001941335.4), dbSNP rs201166587, ClinGen allele CA78292412.

ClinVar aggregate classification (germline): Uncertain significance. Review status: criteria provided, multiple submitters, no conflicts (2 of 4 stars). 2 submissions from 2 submitters: Uncertain significance (2). Last evaluated 2025-12-09.

Conditions:
Glycogen storage disease IV, classic hepatic. Also called: GSD IV, CLASSIC HEPATIC. Identifiers: MedGen C1856301.
Glycogen storage disease, type IV (GSD4). Also called: GBE1 DEFICIENCY; GLYCOGEN BRANCHING ENZYME DEFICIENCY; GLYCOGENOSIS IV; GSD IV; AMYLOPECTINOSIS; ANDERSEN DISEASE. Identifiers: Orphanet 367, MedGen C0017923, MONDO:0009292, OMIM 232500.
Inborn genetic diseases. Identifiers: MedGen C0950123, MeSH D030342.

Allele frequency attached by ClinVar (database versions not stated): ESP Exome Variant Server 0.00009.
gnomAD v4.1: 21 of 1,586,366 alleles (0.0013%); highest among the groups gnomAD compares: East Asian, 0.0023%; no homozygotes.

Submissions (2):

Ambry Genetics
Classification: Uncertain significance for Inborn genetic diseases. Last evaluated: 2025-12-09. Review status: criteria provided, single submitter. Criteria: Ambry Variant Classification Scheme 2023. Collection method: clinical testing. Allele origin: germline.

Labcorp Genetics (formerly Invitae), Labcorp
Classification: Uncertain significance for Glycogen storage disease, type IV; Glycogen storage disease IV, classic hepatic. Last evaluated: 2025-08-11. Review status: criteria provided, single submitter. Criteria: Invitae Variant Classification Sherloc (09022015). Collection method: clinical testing. Allele origin: germline.
Comment: This sequence change replaces alanine, which is neutral and non-polar, with serine, which is neutral and polar, at codon 214 of the GBE1 protein (p.Ala214Ser). This variant is not present in population databases (gnomAD no frequency). This variant has not been reported in the literature in individuals affected with GBE1-related conditions. ClinVar contains an entry for this variant (Variation ID: 1941335). Invitae Evidence Modeling of protein sequence and biophysical properties (such as structural, functional, and spatial information, amino acid conservation, physicochemical variation, residue mobility, and thermodynamic stability) indicates that this missense variant is not expected to disrupt GBE1 protein function with a negative predictive value of 95%. In summary, the available evidence is currently insufficient to determine the role of this variant in disease. Therefore, it has been classified as a Variant of Uncertain Significance.